The following is an entry in ClinVar:

ClinVar aggregate classification (germline): Pathogenic (1 of 4 stars; one submission).

Submission:

Labcorp Genetics (formerly Invitae), Labcorp
Classification: Pathogenic. Last evaluated: 2023-04-25. Review status: criteria provided, single submitter. Criteria: Invitae Variant Classification Sherloc (09022015). Collection method: clinical testing. Allele origin: unknown.
Comment: For these reasons, this variant has been classified as Pathogenic. This variant disrupts a region of the SLC19A2 protein in which other variant(s) (p.Ala91Asp) have been determined to be pathogenic (PMID: 31338833). This suggests that this is a clinically significant region of the protein, and that variants that disrupt it are likely to be disease-causing. This variant has not been reported in the literature in individuals affected with SLC19A2-related conditions. This variant results in the deletion of part of exon 2 (c.204+754_367del) of the SLC19A2 gene. It is expected to disrupt RNA splicing. Variants that disrupt the donor or acceptor splice site typically lead to a loss of protein function (PMID: 16199547), and loss-of-function variants in SLC19A2 are known to be pathogenic (PMID: 10391221, 10391223, 10874303).

Literature cited by the submitters: PubMed 31338833; PubMed 16199547; PubMed 10391221; PubMed 10391223; PubMed 10874303.

NC_000001.10:g.(?_169446833)_(169454047_?)del

Gene: SLC19A2 (solute carrier family 19 member 2; minus strand). Cytogenetic location: 1q24.2.
Variant type: Deletion.
Identifiers: ClinVar variation 3247983 (VCV003247983.1).